The following is an entry in ClinVar:

ClinVar aggregate classification (germline): Uncertain significance (1 of 4 stars; one submission).

Submission:

Labcorp Genetics (formerly Invitae), Labcorp
Classification: Uncertain significance. Last evaluated: 2022-08-16. Review status: criteria provided, single submitter. Criteria: Invitae Variant Classification Sherloc (09022015). Collection method: clinical testing. Allele origin: germline.
Comment: In summary, the available evidence is currently insufficient to determine the role of this variant in disease. Therefore, it has been classified as a Variant of Uncertain Significance. Algorithms developed to predict the effect of missense changes on protein structure and function are either unavailable or do not agree on the potential impact of this missense change (SIFT: "Deleterious"; PolyPhen-2: "Probably Damaging"; Align-GVGD: "Class C0"). This variant has not been reported in the literature in individuals affected with EDNRB-related conditions. This variant is not present in population databases (gnomAD no frequency). This sequence change replaces leucine, which is neutral and non-polar, with tryptophan, which is neutral and slightly polar, at codon 139 of the EDNRB protein (p.Leu139Trp).

NM_001122659.3(EDNRB):c.416T>G (p.Leu139Trp)

Gene: EDNRB (endothelin receptor type B; minus strand). Cytogenetic location: 13q22.3.
Variant type: single nucleotide variant.
Coding change: c.416T>G on transcript NM_001122659.3 (MANE Select); coding-DNA position 416, T replaced by G.
Protein change: p.Leu139Trp; replaces leucine 139 with tryptophan.
Molecular consequence: missense variant.
Genome position (GRCh38, 1-based): chr13:77,918,158, A>C on the plus strand (T>G on the coding strand, the complement: EDNRB is on the minus strand). VCF-style: chr13-77918158-A-C. GRCh37 (hg19) VCF-style: chr13-78492293-A-C.
Other names: c.416T>G, p.Leu139Trp (NM_000115.5, NM_003991.4); c.686T>G, p.Leu229Trp (NM_001201397.2); short protein forms L229W, L139W.
Identifiers: ClinVar variation 2041976 (VCV002041976.4), dbSNP rs2501607412, ClinGen allele CA388452379.